The following is an entry in ClinVar:

NM_139281.3(WDR36):c.688C>T (p.Arg230Cys)

Gene: WDR36 (WD repeat domain 36; plus strand). Cytogenetic location: 5q22.1.
Variant type: single nucleotide variant.
Coding change: c.688C>T on transcript NM_139281.3 (MANE Select); coding-DNA position 688, C replaced by T.
Protein change: p.Arg230Cys; replaces arginine 230 with cysteine.
Molecular consequence: missense variant.
Genome position (GRCh38, 1-based): chr5:111,103,876, C>T. VCF-style: chr5-111103876-C-T. GRCh37 (hg19) VCF-style: chr5-110439575-C-T.
Other names: short protein forms R230C.
Identifiers: ClinVar variation 4804349 (VCV004804349.1).
Genomic context (GRCh38, chr5:111,103,876, plus strand): 5'-CTTATGTCAGGTCAAGTTATCATTCACAACATTAAATTTAATGAAACATTAATGAAGTTT[C>T]GTCAAGACTGGGGACCCATTACTTCAATTTCATTTCGCACAGGTAACTTTTAACATACTT-3'
Protein context (NP_644810.2, residues 220-240): IKFNETLMKF[Arg230Cys]QDWGPITSIS

ClinVar aggregate classification (germline): Uncertain significance (1 of 4 stars; one submission).

Submission:

Labcorp Genetics (formerly Invitae), Labcorp
Classification: Uncertain significance. Last evaluated: 2025-08-18. Review status: criteria provided, single submitter. Criteria: Invitae Variant Classification Sherloc (09022015). Collection method: clinical testing. Allele origin: germline.
Comment: This sequence change replaces arginine, which is basic and polar, with cysteine, which is neutral and slightly polar, at codon 286 of the WDR36 protein (p.Arg286Cys). This variant is present in population databases (rs144543625, gnomAD 0.03%). This variant has not been reported in the literature in individuals affected with WDR36-related conditions. Invitae Evidence Modeling of protein sequence and biophysical properties (such as structural, functional, and spatial information, amino acid conservation, physicochemical variation, residue mobility, and thermodynamic stability) indicates that this missense variant is not expected to disrupt WDR36 protein function with a negative predictive value of 80%. In summary, the available evidence is currently insufficient to determine the role of this variant in disease. Therefore, it has been classified as a Variant of Uncertain Significance.